The following is an entry in ClinVar:

NM_004403.3(GSDME):c.1198G>A (p.Ala400Thr)

Gene: GSDME (gasdermin E; minus strand). Cytogenetic location: 7p15.3.
Variant type: single nucleotide variant.
Coding change: c.1198G>A on transcript NM_004403.3; coding-DNA position 1198, G replaced by A.
Protein change: p.Ala400Thr; replaces alanine 400 with threonine.
Molecular consequence: missense variant.
Genome position (GRCh38, 1-based): chr7:24,702,819, C>T on the plus strand (G>A on the coding strand, the complement: GSDME is on the minus strand). VCF-style: chr7-24702819-C-T. GRCh37 (hg19) VCF-style: chr7-24742438-C-T.
Other names: c.1198G>A, p.Ala400Thr (NM_001127453.2); c.706G>A, p.Ala236Thr (NM_001127454.2); short protein forms A400T, A236T.
Identifiers: ClinVar variation 502187 (VCV000502187.17), dbSNP rs140321823, ClinGen allele CA4191359.

ClinVar aggregate classification (germline): Uncertain significance. Review status: criteria provided, multiple submitters, no conflicts (2 of 4 stars). 6 submissions from 6 submitters: Uncertain significance (6). Last evaluated 2025-08-22.

Conditions:
Autosomal dominant nonsyndromic hearing loss 5. Identifiers: Orphanet 90635, MedGen C1832932, MONDO:0010973, OMIM 600994.
Inborn genetic diseases. Identifiers: MedGen C0950123, MeSH D030342.

Allele frequency attached by ClinVar (database versions not stated): ExAC 0.00010; 1000 Genomes Project 30x 0.00031; gnomAD 0.00009; 1000 Genomes Project 0.00020; ESP Exome Variant Server 0.00023; TOPMed 0.00009; gnomAD exomes 0.00014 and 0.00013.
gnomAD v4.1: 224 of 1,612,938 alleles (0.014%); highest among the groups gnomAD compares: Non-Finnish European, 0.017%; no homozygotes.

Submissions (6):

Labcorp Genetics (formerly Invitae), Labcorp
Classification: Uncertain significance. Last evaluated: 2025-08-22. Review status: criteria provided, single submitter. Criteria: Invitae Variant Classification Sherloc (09022015). Collection method: clinical testing. Allele origin: germline.
Comment: This sequence change replaces alanine, which is neutral and non-polar, with threonine, which is neutral and polar, at codon 400 of the DFNA5 protein (p.Ala400Thr). This variant is present in population databases (rs140321823, gnomAD 0.02%). This variant has not been reported in the literature in individuals affected with DFNA5-related conditions. ClinVar contains an entry for this variant (Variation ID: 502187). Invitae Evidence Modeling of protein sequence and biophysical properties (such as structural, functional, and spatial information, amino acid conservation, physicochemical variation, residue mobility, and thermodynamic stability) indicates that this missense variant is not expected to disrupt DFNA5 protein function with a negative predictive value of 80%. In summary, the available evidence is currently insufficient to determine the role of this variant in disease. Therefore, it has been classified as a Variant of Uncertain Significance.

GeneDx
Classification: Uncertain significance. Last evaluated: 2024-03-18. Review status: criteria provided, single submitter. Criteria: GeneDx Variant Classification Process June 2021. Collection method: clinical testing. Allele origin: germline.
Comment: In silico analysis supports that this missense variant has a deleterious effect on protein structure/function; Has not been previously published as pathogenic or benign in association with hearing loss to our knowledge; This variant is associated with the following publications: (PMID: 35982159, 35982160, 31785789)

Department of Pathology and Laboratory Medicine, Sinai Health System
Classification: Uncertain significance for Autosomal dominant nonsyndromic hearing loss 5. Last evaluated: 2022-03-03. Review status: criteria provided, single submitter. Criteria: ACMG Guidelines, 2015. Collection method: research. Allele origin: germline.

Ambry Genetics
Classification: Uncertain significance for Inborn genetic diseases. Last evaluated: 2021-06-25. Review status: criteria provided, single submitter. Criteria: Ambry Variant Classification Scheme 2023. Collection method: clinical testing. Allele origin: germline.

Eurofins Ntd Llc (ga)
Classification: Uncertain significance. Last evaluated: 2017-05-26. Review status: criteria provided, single submitter. Criteria: EGL Classification Definitions 2015. Collection method: clinical testing. Allele origin: germline. Observed: 1 variant allele, 1 heterozygote.

Breakthrough Genomics
Classification: Uncertain significance. Review status: criteria provided, single submitter. Criteria: ACMG Guidelines, 2015. Collection method: not provided. Allele origin: germline. Inheritance: Autosomal dominant inheritance. Affected: yes.